The following is an entry in ClinVar:

NM_000179.3(MSH6):c.1964T>A (p.Leu655Ter)

Gene: MSH6 (mutS homolog 6; plus strand). Cytogenetic location: 2p16.3.
Variant type: single nucleotide variant.
Coding change: c.1964T>A on transcript NM_000179.3 (MANE Select); coding-DNA position 1964, T replaced by A.
Protein change: p.Leu655Ter; replaces leucine 655 with a stop codon.
Molecular consequence: nonsense.
Genome position (GRCh38, 1-based): chr2:47,799,947, T>A. VCF-style: chr2-47799947-T-A. GRCh37 (hg19) VCF-style: chr2-48027086-T-A.
Other names: c.1886T>A, p.Leu629Ter (NM_001406804.1); c.1667T>A, p.Leu556Ter (NM_001406805.1, NM_001406797.1, NM_001406801.1 and 10 more transcripts); c.1439T>A, p.Leu480Ter (NM_001406806.1, NM_001406807.1, NM_001406799.1); c.1964T>A, p.Leu655Ter (NM_001406808.1, NM_001406809.1, NM_001406796.1 and 3 more transcripts); c.1058T>A, p.Leu353Ter (NM_001406811.1, NM_001406812.1, NM_001406814.1 and 6 more transcripts); c.1970T>A, p.Leu657Ter (NM_001406813.1); c.1574T>A, p.Leu525Ter (NM_001281492.2); c.2060T>A, p.Leu687Ter (NM_001406795.1, NM_001406802.1); and 1 more; short protein forms L480*, L599*, L556*, L655*, L525*, L657*, L687*, L353*.
Identifiers: ClinVar variation 1783498 (VCV001783498.3), dbSNP rs2104379257, ClinGen allele CA346750587.

ClinVar aggregate classification (germline): Pathogenic/Likely pathogenic. Review status: criteria provided, multiple submitters, no conflicts (2 of 4 stars). 2 submissions from 2 submitters: Pathogenic (1); Likely pathogenic (1). Last evaluated 2026-04-01.

Conditions:
Primary ciliary dyskinesia. Also called: Ciliary dyskinesia. Identifiers: Orphanet 244, MedGen C0008780, MONDO:0016575, HP:0012265.
Hereditary cancer-predisposing syndrome. Also called: Tumor predisposition; Hereditary neoplastic syndrome; Hereditary Cancer Syndrome; Neoplastic Syndromes, Hereditary. Identifiers: Orphanet 140162, MedGen C0027672, MeSH D009386, MONDO:0015356.

Submissions (2):

Department of Human Genetics, Hannover Medical School
Classification: Likely pathogenic for Primary Ciliary Dyskinesia. Last evaluated: 2026-04-01. Review status: criteria provided, single submitter. Criteria: ACMG Guidelines, 2015. Collection method: research. Allele origin: germline. Affected: no.
Comment: Classification performed by HerediClassify using the following criteria:['PM2_supporting: Variant occures does not occur as homozygous in gnomAD.', 'PVS1_protein_very_strong: Transcript ENST00000234420 is predicted to undergo NMD.']

Ambry Genetics
Classification: Pathogenic for Hereditary cancer-predisposing syndrome. Last evaluated: 2022-03-29. Review status: criteria provided, single submitter. Criteria: Ambry Variant Classification Scheme 2023. Collection method: clinical testing. Allele origin: germline.
Comment: The p.L655* pathogenic mutation (also known as c.1964T>A), located in coding exon 4 of the MSH6 gene, results from a T to A substitution at nucleotide position 1964. This changes the amino acid from a leucine to a stop codon within coding exon 4. This variant is considered to be rare based on population cohorts in the Genome Aggregation Database (gnomAD). This alteration is expected to result in loss of function by premature protein truncation or nonsense-mediated mRNA decay. As such, this alteration is interpreted as a disease-causing mutation.